The following is an entry in ClinVar:

ClinVar aggregate classification (germline): Uncertain significance. Review status: criteria provided, multiple submitters, no conflicts (2 of 4 stars). 3 submissions from 3 submitters: Uncertain significance (3). Last evaluated 2025-07-15.

Conditions:
Inborn genetic diseases. Identifiers: MedGen C0950123, MeSH D030342.
Spastic paraplegia. Identifiers: MedGen C0037772, HP:0001258.

Allele frequency attached by ClinVar (database versions not stated): TOPMed below 0.00001.
gnomAD v4.1: 8 of 1,613,856 alleles (0.0005%); highest among the groups gnomAD compares: Non-Finnish European, 0.00068%; no homozygotes.

Submissions (3):

Ambry Genetics
Classification: Uncertain significance for Inborn genetic diseases. Last evaluated: 2025-07-15. Review status: criteria provided, single submitter. Criteria: Ambry Variant Classification Scheme 2023. Collection method: clinical testing. Allele origin: germline.

Labcorp Genetics (formerly Invitae), Labcorp
Classification: Uncertain significance for Spastic paraplegia. Last evaluated: 2024-07-09. Review status: criteria provided, single submitter. Criteria: Invitae Variant Classification Sherloc (09022015). Collection method: clinical testing. Allele origin: germline.
Comment: This sequence change replaces lysine, which is basic and polar, with threonine, which is neutral and polar, at codon 911 of the KIF5A protein (p.Lys911Thr). This variant is not present in population databases (gnomAD no frequency). This variant has not been reported in the literature in individuals affected with KIF5A-related conditions. Advanced modeling of protein sequence and biophysical properties (such as structural, functional, and spatial information, amino acid conservation, physicochemical variation, residue mobility, and thermodynamic stability) has been performed at Invitae for this missense variant, however the output from this modeling did not meet the statistical confidence thresholds required to predict the impact of this variant on KIF5A protein function. In summary, the available evidence is currently insufficient to determine the role of this variant in disease. Therefore, it has been classified as a Variant of Uncertain Significance.

GeneDx
Classification: Uncertain significance. Last evaluated: 2023-05-31. Review status: criteria provided, single submitter. Criteria: GeneDx Variant Classification Process June 2021. Collection method: clinical testing. Allele origin: germline. Affected: yes.
Comment: Not observed at significant frequency in large population cohorts (gnomAD); In silico analysis supports that this missense variant has a deleterious effect on protein structure/function; Has not been previously published as pathogenic or benign to our knowledge

NM_004984.4(KIF5A):c.2732A>C (p.Lys911Thr)

Gene: KIF5A (kinesin family member 5A; plus strand). Cytogenetic location: 12q13.3.
Variant type: single nucleotide variant.
Coding change: c.2732A>C on transcript NM_004984.4 (MANE Select); coding-DNA position 2732, A replaced by C.
Protein change: p.Lys911Thr; replaces lysine 911 with threonine.
Molecular consequence: missense variant.
Genome position (GRCh38, 1-based): chr12:57,581,149, A>C. VCF-style: chr12-57581149-A-C. GRCh37 (hg19) VCF-style: chr12-57974932-A-C.
Other names: c.2465A>C, p.Lys822Thr (NM_001354705.2); c.2732A>C (NM_004984.2); short protein forms K822T, K911T.
Identifiers: ClinVar variation 2740463 (VCV002740463.5), dbSNP rs199953180, ClinGen allele CA385515389.